The following is an entry in ClinVar:

ClinVar aggregate classification (germline): Uncertain significance (1 of 4 stars; one submission).

Allele frequency attached by ClinVar (database versions not stated): TOPMed below 0.00001; gnomAD 0.00001; gnomAD exomes 0.00001.
gnomAD v4.1: 8 of 1,613,452 alleles (0.0005%); highest among the groups gnomAD compares: Non-Finnish European, 0.00068%; no homozygotes.

Submission:

Labcorp Genetics (formerly Invitae), Labcorp
Classification: Uncertain significance. Last evaluated: 2021-09-24. Review status: criteria provided, single submitter. Criteria: Invitae Variant Classification Sherloc (09022015). Collection method: clinical testing. Allele origin: germline.
Comment: This sequence change replaces leucine with isoleucine at codon 274 of the LCA5 protein (p.Leu274Ile). The leucine residue is highly conserved and there is a small physicochemical difference between leucine and isoleucine. This variant is not present in population databases (ExAC no frequency). This variant has not been reported in the literature in individuals with LCA5-related conditions. Algorithms developed to predict the effect of missense changes on protein structure and function are either unavailable or do not agree on the potential impact of this missense change (SIFT: "Tolerated"; PolyPhen-2: "Probably Damaging"; Align-GVGD: "Class C0"). In summary, the available evidence is currently insufficient to determine the role of this variant in disease. Therefore, it has been classified as a Variant of Uncertain Significance.

NM_001122769.3(LCA5):c.820C>A (p.Leu274Ile)

Gene: LCA5 (lebercilin LCA5; minus strand). Cytogenetic location: 6q14.1.
Variant type: single nucleotide variant.
Coding change: c.820C>A on transcript NM_001122769.3 (MANE Select); coding-DNA position 820, C replaced by A.
Protein change: p.Leu274Ile; replaces leucine 274 with isoleucine.
Molecular consequence: missense variant.
Genome position (GRCh38, 1-based): chr6:79,493,651, G>T on the plus strand (C>A on the coding strand, the complement: LCA5 is on the minus strand). VCF-style: chr6-79493651-G-T. GRCh37 (hg19) VCF-style: chr6-80203368-G-T.
Other names: c.820C>A, p.Leu274Ile (NM_181714.4); short protein forms L274I.
Identifiers: ClinVar variation 1501922 (VCV001501922.5), dbSNP rs1439528438, ClinGen allele CA364645276.